The following is an entry in ClinVar:

ClinVar aggregate classification (germline): Benign. Review status: criteria provided, multiple submitters, no conflicts (2 of 4 stars). 3 submissions from 3 submitters: Benign (2). 1 of the submissions does not count toward it. Last evaluated 2026-01-12.

Conditions:
KRT71-related disorder. Also called: KRT71-related condition.

Allele frequency attached by ClinVar (database versions not stated): 1000 Genomes Project 0.00839; 1000 Genomes Project 30x 0.00890; TOPMed 0.01610; ExAC 0.01613; gnomAD exomes 0.01623 and 0.02182; ESP Exome Variant Server 0.01699; gnomAD 0.01722 and 0.01761.
gnomAD v4.1: 34,325 of 1,614,220 alleles (2.1%); highest among the groups gnomAD compares: Non-Finnish European, 2.5%; 445 homozygotes.

Submissions (3):

Labcorp Genetics (formerly Invitae), Labcorp
Classification: Benign. Last evaluated: 2026-01-12. Review status: criteria provided, single submitter. Criteria: Invitae Variant Classification Sherloc (09022015). Collection method: clinical testing. Allele origin: germline.

Breakthrough Genomics
Classification: Benign. Review status: criteria provided, single submitter. Criteria: ACMG Guidelines, 2015. Collection method: not provided. Allele origin: germline. Inheritance: Autosomal dominant inheritance. Affected: yes.

PreventionGenetics, part of Exact Sciences
Classification: Benign for KRT71-related condition. Last evaluated: 2019-03-08. Review status: no assertion criteria provided. Collection method: clinical testing. Allele origin: germline. Not counted in ClinVar's aggregate classification.
Comment: This variant is classified as benign based on ACMG/AMP sequence variant interpretation guidelines (Richards et al. 2015 PMID: 25741868, with internal and published modifications).

NM_033448.3(KRT71):c.1227G>A (p.Ala409=)

Gene: KRT71 (keratin 71; minus strand). Cytogenetic location: 12q13.13.
Variant type: single nucleotide variant.
Coding change: c.1227G>A on transcript NM_033448.3 (MANE Select); coding-DNA position 1227, G replaced by A.
Protein change: p.Ala409=; no amino-acid change (alanine 409 retained).
Molecular consequence: synonymous variant.
Genome position (GRCh38, 1-based): chr12:52,546,384, C>T on the plus strand (G>A on the coding strand, the complement: KRT71 is on the minus strand). VCF-style: chr12-52546384-C-T. GRCh37 (hg19) VCF-style: chr12-52940168-C-T.
Other names: c.1227G>A (NM_033448.2).
Identifiers: ClinVar variation 1601073 (VCV001601073.11), dbSNP rs603193, ClinGen allele CA6583144.